The following is an entry in ClinVar:

ClinVar aggregate classification (germline): Uncertain significance. Review status: criteria provided, multiple submitters, no conflicts (2 of 4 stars). 2 submissions from 2 submitters: Uncertain significance (2). Last evaluated 2025-04-18.

Conditions:
Deafness-lymphedema-leukemia syndrome. Also called: Emberger syndrome; Lymphedema, primary, with myelodysplasia. Identifiers: Orphanet 3226, MedGen C3279664, MONDO:0013540, OMIM 614038.
Monocytopenia with susceptibility to infections. Also called: MONOCYTOPENIA AND MYCOBACTERIAL INFECTION SYNDROME; MONOCYTOPENIA WITH SUSCEPTIBILITY TO MYCOBACTERIAL, FUNGAL, AND PAPILLOMAVIRUS INFECTIONS AND MYELODYSPLASIA; COMBINED IMMUNODEFICIENCY WITH SUSCEPTIBILITY TO MYCOBACTERIAL, VIRAL, AND FUNGAL INFECTIONS; IMMUNODEFICIENCY 21; GATA2 DEFICIENCY; Dendritic cell, monocyte, B lymphocyte, and natural killer lymphocyte deficiency. Identifiers: Orphanet 228423, MedGen C3280030, MONDO:0013607, OMIM 614172.
Inborn genetic diseases. Identifiers: MedGen C0950123, MeSH D030342.

Submissions (2):

Ambry Genetics
Classification: Uncertain significance for Inborn genetic diseases. Last evaluated: 2025-04-18. Review status: criteria provided, single submitter. Criteria: Ambry Variant Classification Scheme 2023. Collection method: clinical testing. Allele origin: germline.
Comment: The p.G150R variant (also known as c.448G>A), located in coding exon 2 of the GATA2 gene, results from a G to A substitution at nucleotide position 448. The glycine at codon 150 is replaced by arginine, an amino acid with dissimilar properties. This amino acid position is conserved. In addition, the in silico prediction for this alteration is inconclusive. Based on the available evidence, the clinical significance of this variant remains unclear.

Labcorp Genetics (formerly Invitae), Labcorp
Classification: Uncertain significance for Monocytopenia with susceptibility to infections; Deafness-lymphedema-leukemia syndrome. Last evaluated: 2025-04-14. Review status: criteria provided, single submitter. Criteria: Invitae Variant Classification Sherloc (09022015). Collection method: clinical testing. Allele origin: germline.
Comment: This sequence change replaces glycine, which is neutral and non-polar, with arginine, which is basic and polar, at codon 150 of the GATA2 protein (p.Gly150Arg). This variant is not present in population databases (gnomAD no frequency). This variant has not been reported in the literature in individuals affected with GATA2-related conditions. ClinVar contains an entry for this variant (Variation ID: 1020629). Invitae Evidence Modeling of protein sequence and biophysical properties (such as structural, functional, and spatial information, amino acid conservation, physicochemical variation, residue mobility, and thermodynamic stability) indicates that this missense variant is not expected to disrupt GATA2 protein function with a negative predictive value of 95%. In summary, the available evidence is currently insufficient to determine the role of this variant in disease. Therefore, it has been classified as a Variant of Uncertain Significance.

NM_032638.5(GATA2):c.448G>A (p.Gly150Arg)

Gene: GATA2 (GATA binding protein 2; minus strand). Cytogenetic location: 3q21.3.
Variant type: single nucleotide variant.
Coding change: c.448G>A on transcript NM_032638.5 (MANE Select); coding-DNA position 448, G replaced by A.
Protein change: p.Gly150Arg; replaces glycine 150 with arginine.
Molecular consequence: missense variant.
Genome position (GRCh38, 1-based): chr3:128,486,150, C>T on the plus strand (G>A on the coding strand, the complement: GATA2 is on the minus strand). VCF-style: chr3-128486150-C-T. GRCh37 (hg19) VCF-style: chr3-128204993-C-T.
Other names: c.448G>A, p.Gly150Arg (NM_001145661.2, NM_001145662.1); c.448G>A (NM_032638.4); short protein forms G150R.
Identifiers: ClinVar variation 1020629 (VCV001020629.9), dbSNP rs2068695615, ClinGen allele CA354406734.